The following is an entry in ClinVar:

NM_000322.5(PRPH2):c.465del (p.Ile156fs)

Gene: PRPH2 (peripherin 2; minus strand). Cytogenetic location: 6p21.1.
Variant type: Deletion.
Coding change: c.465del on transcript NM_000322.5 (MANE Select); coding-DNA position 465, one base deleted (C; older notation c.465delC).
Protein change: p.Ile156fs; shifts the reading frame from isoleucine 156.
Molecular consequence: frameshift variant.
Genome position (GRCh38, 1-based): chr6:42,721,870, G deleted on the plus strand (C on the coding strand, the reverse complement: PRPH2 is on the minus strand); the first of 2 consecutive G bases (chr6:42,721,870-42,721,871); deleting either gives the same sequence. VCF-style (leftmost placement, unchanged base first): chr6-42721869-TG-T. GRCh37 (hg19) VCF-style: chr6-42689607-TG-T.
Other names: short protein forms I156fs.
Identifiers: ClinVar variation 2107476 (VCV002107476.4), dbSNP rs2548309660, ClinGen allele CA2580074524.
Genomic context (GRCh38, chr6:42,721,869, plus strand): 5'-CAAACCAGTCCCGAAAACCGTTGTTGCCGCAGCATTTGAACTCGATCTGCAGCATGTCGA[TG>T]GTCTTCTTCATGAAACACCTGCCAGGGGTGTCTGTGTCCCGGTAGTACTTCATGCCGTTC-3'

ClinVar aggregate classification (germline): Pathogenic (1 of 4 stars; one submission).

Conditions:
PRPH2-related disorder. Also called: PRPH2-related condition; PRPH2-related disorders. Identifiers: MedGen CN239395.

Submission:

Labcorp Genetics (formerly Invitae), Labcorp
Classification: Pathogenic for PRPH2-related disorder. Last evaluated: 2024-05-15. Review status: criteria provided, single submitter. Criteria: Invitae Variant Classification Sherloc (09022015). Collection method: clinical testing. Allele origin: germline.
Comment: This sequence change creates a premature translational stop signal (p.Ile156Serfs*100) in the PRPH2 gene. It is expected to result in an absent or disrupted protein product. Loss-of-function variants in PRPH2 are known to be pathogenic (PMID: 8111389, 8485575, 8485576, 8675410, 16916875, 17504850, 22863181, 25675413, 26061163, 27365499, 29555955, 33546218). This variant is not present in population databases (gnomAD no frequency). This variant has not been reported in the literature in individuals affected with PRPH2-related conditions. ClinVar contains an entry for this variant (Variation ID: 2107476). For these reasons, this variant has been classified as Pathogenic.

Literature cited by the submitters: PubMed 8111389; PubMed 8485575; PubMed 8485576; PubMed 8675410; PubMed 16916875; PubMed 17504850; PubMed 22863181; PubMed 25675413; PubMed 26061163; PubMed 27365499; PubMed 29555955; PubMed 33546218.